The following is an entry in ClinVar:

NM_024334.3(TMEM43):c.893A>C (p.His298Pro)

Gene: TMEM43 (transmembrane protein 43; plus strand). Cytogenetic location: 3p25.1.
Variant type: single nucleotide variant.
Coding change: c.893A>C on transcript NM_024334.3 (MANE Select); coding-DNA position 893, A replaced by C.
Protein change: p.His298Pro; replaces histidine 298 with proline.
Molecular consequence: missense variant.
Genome position (GRCh38, 1-based): chr3:14,139,190, A>C. VCF-style: chr3-14139190-A-C. GRCh37 (hg19) VCF-style: chr3-14180690-A-C.
Other names: short protein forms H298P.
Identifiers: ClinVar variation 919837 (VCV000919837.5), dbSNP rs1285837389, ClinGen allele CA351536097.

ClinVar aggregate classification (germline): Uncertain significance (1 of 4 stars; one submission).

Conditions:
Cardiomyopathy (CMYO). Also called: Cardiomyopathies. Identifiers: Orphanet 167848, MedGen C0878544, MONDO:0004994, HP:0001638. Inheritance: Various modes of inheritance.

gnomAD v4.1: 3 of 1,613,788 alleles (0.00019%); highest among the groups gnomAD compares: East Asian, 0.0045%; no homozygotes.

Submission:

Color Diagnostics, LLC DBA Color Health
Classification: Uncertain significance for Cardiomyopathy. Last evaluated: 2024-03-07. Review status: criteria provided, single submitter. Criteria: ACMG Guidelines, 2015. Collection method: clinical testing. Allele origin: germline.
Comment: This missense variant replaces histidine with proline at codon 298 of the TMEM43 protein. Computational prediction suggests that this variant may not impact protein structure and function (internally defined REVEL score threshold <= 0.5, PMID: 27666373). To our knowledge, functional studies have not been reported for this variant. This variant has not been reported in individuals affected with cardiovascular disorders in the literature. This variant has been identified in 2/251436 chromosomes in the general population by the Genome Aggregation Database (gnomAD). The available evidence is insufficient to determine the role of this variant in disease conclusively. Therefore, this variant is classified as a Variant of Uncertain Significance.